The following is an entry in ClinVar:

ClinVar aggregate classification (germline): Uncertain significance. Review status: criteria provided, multiple submitters, no conflicts (2 of 4 stars). 2 submissions from 2 submitters: Uncertain significance (2). Last evaluated 2024-08-31.

Conditions:
Developmental and epileptic encephalopathy, 11 (DEE11). Also called: Early infantile epileptic encephalopathy 11. Identifiers: Orphanet 1934, MedGen C3150987, MONDO:0013388, OMIM 613721.
Seizures, benign familial infantile, 3 (BFIS3). Also called: Familial neonatal seizures; CONVULSIONS, BENIGN FAMILIAL INFANTILE, 3. Identifiers: Orphanet 140927, Orphanet 306, MedGen C1843140, MONDO:0011904, OMIM 607745.

Submissions (2):

Labcorp Genetics (formerly Invitae), Labcorp
Classification: Uncertain significance for Seizures, benign familial infantile, 3; Developmental and epileptic encephalopathy, 11. Last evaluated: 2024-08-31. Review status: criteria provided, single submitter. Criteria: Invitae Variant Classification Sherloc (09022015). Collection method: clinical testing. Allele origin: germline.
Comment: This sequence change disrupts the translational stop signal of the SCN2A mRNA. It is expected to extend the length of the SCN2A protein by 32 additional amino acid residues. This variant is not present in population databases (gnomAD no frequency). This variant has not been reported in the literature in individuals affected with SCN2A-related conditions. ClinVar contains an entry for this variant (Variation ID: 659811). Experimental studies and prediction algorithms are not available or were not evaluated, and the functional significance of this variant is currently unknown. In summary, the available evidence is currently insufficient to determine the role of this variant in disease. Therefore, it has been classified as a Variant of Uncertain Significance.

Greenwood Genetic Center Diagnostic Laboratories, Greenwood Genetic Center
Classification: Uncertain significance. Last evaluated: 2024-01-18. Review status: criteria provided, single submitter. Criteria: ACMG Guidelines, 2015. Collection method: clinical testing. Allele origin: germline. Affected: yes.
Comment: PM2

NM_001040142.2(SCN2A):c.6016_*4del (p.Ter2006LysextTer?)

Gene: SCN2A (sodium voltage-gated channel alpha subunit 2; plus strand). Cytogenetic location: 2q24.3.
Variant type: Microsatellite.
Coding change: c.6016_*4del on transcript NM_001040142.2 (MANE Select); coding-DNA position 6016 through 4 bases downstream of the stop codon, 7 bases deleted (TAAAAAG; older notation c.6016_*4delTAAAAAG).
Protein change: p.Ter2006LysextTer?.
Molecular consequence: frameshift variant, stop lost.
Genome position (GRCh38, 1-based): chr2:165,389,822-165,389,828, TAAAAAG deleted; deleting any 7 consecutive bases within chr2:165,389,811-165,389,828 gives the same sequence; the c. name uses the placement nearest the transcript's 3' end. VCF-style (leftmost placement, unchanged base first): chr2-165389810-GAAAGTAA-G. GRCh37 (hg19) VCF-style: chr2-166246320-GAAAGTAA-G.
Other names: c.6016_*4del, p.Ter2006LysextTer? (NM_001040143.2, NM_001371246.1, NM_001371247.1 and 1 more transcripts); c.6016_*4del (NM_021007.2).
Identifiers: ClinVar variation 659811 (VCV000659811.10), dbSNP rs1574755053, ClinGen allele CA915942941.
Genomic context (GRCh38, chr2:165,389,810, plus strand): 5'-GAAAAAGAAAAATTTGAAAAAGACAAATCAGAAAAGGAAGACAAAGGGAAAGATATCAGG[GAAAGTAA>G]AAAGTAAAAAGAAACCAAGAATTTTCCATTTTGTGATCAATTGTTTACAGCCCGTGATGG-3'